The following is an entry in ClinVar:

NM_001684.5(ATP2B4):c.1092G>A (p.Gly364=)

Gene: ATP2B4 (ATPase plasma membrane Ca2+ transporting 4; plus strand). Cytogenetic location: 1q32.1.
Variant type: single nucleotide variant.
Coding change: c.1092G>A on transcript NM_001684.5 (MANE Select); coding-DNA position 1092, G replaced by A.
Protein change: p.Gly364=; no amino-acid change (glycine 364 retained).
Molecular consequence: synonymous variant.
Genome position (GRCh38, 1-based): chr1:203,703,806, G>A. VCF-style: chr1-203703806-G-A. GRCh37 (hg19) VCF-style: chr1-203672934-G-A.
Other names: c.1092G>A (NM_001001396.2); c.1092G>A, p.Gly364= (NM_001001396.3, NM_001365783.2, NM_001365784.2).
Identifiers: ClinVar variation 1901339 (VCV001901339.7), dbSNP rs201495785, ClinGen allele CA1341540.

ClinVar aggregate classification (germline): Likely benign. Review status: criteria provided, single submitter (1 of 4 stars). 2 submissions from 2 submitters: Likely benign (1). 1 of the submissions does not count toward it. Last evaluated 2025-01-06.

Conditions:
ATP2B4-related disorder. Also called: ATP2B4-related condition.

Allele frequency attached by ClinVar (database versions not stated): gnomAD exomes 0.00007; gnomAD 0.00008; ExAC 0.00012; TOPMed 0.00015.
gnomAD v4.1: 117 of 1,613,808 alleles (0.0072%); highest among the groups gnomAD compares: Admixed American, 0.023%; no homozygotes.

Submissions (2):

Labcorp Genetics (formerly Invitae), Labcorp
Classification: Likely benign. Last evaluated: 2025-01-06. Review status: criteria provided, single submitter. Criteria: Invitae Variant Classification Sherloc (09022015). Collection method: clinical testing. Allele origin: germline.

PreventionGenetics, part of Exact Sciences
Classification: Likely benign for ATP2B4-related condition. Last evaluated: 2019-07-12. Review status: no assertion criteria provided. Collection method: clinical testing. Allele origin: germline. Not counted in ClinVar's aggregate classification.
Comment: This variant is classified as likely benign based on ACMG/AMP sequence variant interpretation guidelines (Richards et al. 2015 PMID: 25741868, with internal and published modifications).